The following is an entry in ClinVar:

NM_016222.4(DDX41):c.1075C>T (p.Arg359Cys)

Gene: DDX41 (DEAD-box helicase 41; minus strand). Cytogenetic location: 5q35.3.
Variant type: single nucleotide variant.
Coding change: c.1075C>T on transcript NM_016222.4 (MANE Select); coding-DNA position 1075, C replaced by T.
Protein change: p.Arg359Cys; replaces arginine 359 with cysteine.
Molecular consequence: missense variant.
Genome position (GRCh38, 1-based): chr5:177,513,708, G>A on the plus strand (C>T on the coding strand, the complement: DDX41 is on the minus strand). VCF-style: chr5-177513708-G-A. GRCh37 (hg19) VCF-style: chr5-176940709-G-A.
Other names: c.697C>T, p.Arg233Cys (NM_001321732.2, NM_001321830.2); short protein forms R233C, R359C.
Identifiers: ClinVar variation 1307296 (VCV001307296.3), dbSNP rs2127436549, ClinGen allele CA362374202.

ClinVar aggregate classification (germline): Uncertain significance. Review status: criteria provided, multiple submitters, no conflicts (2 of 4 stars). 2 submissions from 2 submitters: Uncertain significance (2). Last evaluated 2025-06-06.

Conditions:
Inborn genetic diseases. Identifiers: MedGen C0950123, MeSH D030342.

Submissions (2):

Ambry Genetics
Classification: Uncertain significance for Inborn genetic diseases. Last evaluated: 2025-06-06. Review status: criteria provided, single submitter. Criteria: Ambry Variant Classification Scheme 2023. Collection method: clinical testing. Allele origin: germline.
Comment: The p.R359C variant (also known as c.1075C>T), located in coding exon 10 of the DDX41 gene, results from a C to T substitution at nucleotide position 1075. The arginine at codon 359 is replaced by cysteine, an amino acid with highly dissimilar properties. This amino acid position is highly conserved in available vertebrate species. In addition, the in silico prediction for this alteration is inconclusive. Based on the available evidence, the clinical significance of this variant remains unclear.

GeneDx
Classification: Uncertain significance. Last evaluated: 2019-07-26. Review status: criteria provided, single submitter. Criteria: GeneDx Variant Classification Process June 2021. Collection method: clinical testing. Allele origin: germline. Affected: yes.
Comment: Has not been previously published as pathogenic or benign to our knowledge; Not observed in large population cohorts (Lek et al., 2016); In silico analysis, which includes protein predictors and evolutionary conservation, supports a deleterious effect